The following is an entry in ClinVar:

ClinVar aggregate classification (germline): Uncertain significance (1 of 4 stars; one submission).

Conditions:
Pitt-Hopkins-like syndrome 2 (PTHSL2). Identifiers: Orphanet 221150, Orphanet 600663, MedGen C3280479, MONDO:0013690, OMIM 614325.

Allele frequency attached by ClinVar (database versions not stated): gnomAD exomes 0.00001.
gnomAD v4.1: 5 of 1,613,348 alleles (0.00031%); highest among the groups gnomAD compares: Non-Finnish European, 0.00042%; no homozygotes.

Submission:

Labcorp Genetics (formerly Invitae), Labcorp
Classification: Uncertain significance for Pitt-Hopkins-like syndrome 2. Last evaluated: 2023-12-27. Review status: criteria provided, single submitter. Criteria: Invitae Variant Classification Sherloc (09022015). Collection method: clinical testing. Allele origin: germline.
Comment: This sequence change replaces aspartic acid, which is acidic and polar, with histidine, which is basic and polar, at codon 432 of the NRXN1 protein (p.Asp432His). This variant is present in population databases (no rsID available, gnomAD 0.002%). This variant has not been reported in the literature in individuals affected with NRXN1-related conditions. An algorithm developed to predict the effect of missense changes on protein structure and function (PolyPhen-2) suggests that this variant is likely to be disruptive. In summary, the available evidence is currently insufficient to determine the role of this variant in disease. Therefore, it has been classified as a Variant of Uncertain Significance.

NM_001330078.2(NRXN1):c.1174G>C (p.Asp392His)

Gene: NRXN1 (neurexin 1; minus strand). Cytogenetic location: 2p16.3.
Variant type: single nucleotide variant.
Coding change: c.1174G>C on transcript NM_001330078.2 (MANE Select); coding-DNA position 1174, G replaced by C.
Protein change: p.Asp392His; replaces aspartic acid 392 with histidine.
Molecular consequence: missense variant.
Genome position (GRCh38, 1-based): chr2:50,620,168, C>G on the plus strand (G>C on the coding strand, the complement: NRXN1 is on the minus strand). VCF-style: chr2-50620168-C-G. GRCh37 (hg19) VCF-style: chr2-50847306-C-G.
Other names: c.1294G>C, p.Asp432His (NM_001135659.3); c.1150G>C, p.Asp384His (NM_001330077.2, NM_001330082.2, NM_001330095.2); c.1135G>C, p.Asp379His (NM_001330083.2, NM_001330084.2); c.1174G>C, p.Asp392His (NM_001330085.2, NM_001330086.2, NM_004801.6); c.1090G>C, p.Asp364His (NM_001330087.2, NM_001330096.2); c.1120G>C, p.Asp374His (NM_001330088.2); c.1171G>C, p.Asp391His (NM_001330093.2); c.1162G>C, p.Asp388His (NM_001330094.2); short protein forms D379H, D388H, D432H, D374H, D384H, D392H, D364H, D391H.
Identifiers: ClinVar variation 2736372 (VCV002736372.3), dbSNP rs1456802247, ClinGen allele CA346821897.
Genomic context (GRCh38, chr2:50,620,168, plus strand): 5'-CATCAGACCCCAGCATGGTATAATCTTCTTGCGTGTAGCCCGTTGTGGTAAGAATCCCAT[C>G]CACTGATATTGTCACCTAGATAACAAAGCACAGGGAAAGGACACGCTATACTCAGACCTA-3'
Protein context (NP_001317007.1, residues 382-402): IGHAMVTISV[Asp392His]GILTTTGYTQ